The following is an entry in ClinVar:

ClinVar aggregate classification (germline): Uncertain significance. Review status: criteria provided, multiple submitters, no conflicts (2 of 4 stars). 2 submissions from 2 submitters: Uncertain significance (2). Last evaluated 2023-12-21.

Conditions:
Inborn genetic diseases. Identifiers: MedGen C0950123, MeSH D030342.
Charcot-Marie-Tooth disease type 2E (CMT2E). Also called: CHARCOT-MARIE-TOOTH NEUROPATHY, TYPE 2E; CHARCOT-MARIE-TOOTH DISEASE, AXONAL, TYPE 2E. Identifiers: Orphanet 99939, MedGen C1843225, MONDO:0011894, OMIM 607684.

Submissions (2):

Labcorp Genetics (formerly Invitae), Labcorp
Classification: Uncertain significance for Charcot-Marie-Tooth disease type 2E. Last evaluated: 2023-12-21. Review status: criteria provided, single submitter. Criteria: Invitae Variant Classification Sherloc (09022015). Collection method: clinical testing. Allele origin: germline.
Comment: This variant, c.1529_1531del, results in the deletion of 1 amino acid(s) of the NEFL protein (p.Glu510del), but otherwise preserves the integrity of the reading frame. The frequency data for this variant in the population databases is considered unreliable, as metrics indicate poor data quality at this position in the gnomAD database. This variant has been observed in individual(s) with Charcot-Marie-Tooth disease (PMID: 32376792). ClinVar contains an entry for this variant (Variation ID: 947307). Experimental studies and prediction algorithms are not available or were not evaluated, and the functional significance of this variant is currently unknown. In summary, the available evidence is currently insufficient to determine the role of this variant in disease. Therefore, it has been classified as a Variant of Uncertain Significance.

Ambry Genetics
Classification: Uncertain significance for Inborn genetic diseases. Last evaluated: 2022-07-08. Review status: criteria provided, single submitter. Criteria: Ambry Variant Classification Scheme 2023. Collection method: clinical testing. Allele origin: germline.
Comment: The c.1529_1531delAAG variant (also known as p.E510del) is located in coding exon 4 of the NEFL gene. This variant results from an in-frame AAG deletion at nucleotide positions 1529 to 1531. This results in the in-frame deletion of a glutamic acid at codon 510. This amino acid position is well conserved in available vertebrate species. Since supporting evidence is limited at this time, the clinical significance of this alteration remains unclear.

Literature cited by the submitters: PubMed 32376792 (cited by Labcorp Genetics (formerly Invitae), Labcorp).

NM_006158.5(NEFL):c.1517AAG[4] (p.Glu510del)

Gene: NEFL (neurofilament light chain; minus strand). Cytogenetic location: 8p21.2.
Variant type: Microsatellite.
Coding change: c.1517AAG[4] on transcript NM_006158.5 (MANE Select); four copies in a row of the 3-base unit AAG starting at c.1517; the reference has five copies in a row; one copy, 3 bases deleted.
Protein change: p.Glu510del; deletes glutamic acid 510.
Molecular consequence: inframe deletion.
Genome position (GRCh38, 1-based): chr8:24,952,911-24,952,913, CTT deleted on the plus strand (AAG on the coding strand, the reverse complement: NEFL is on the minus strand); deleting any 3 consecutive bases within chr8:24,952,911-24,952,925 gives the same sequence; the position shown is the placement nearest the transcript's 3' end. VCF-style (leftmost placement, unchanged base first): chr8-24952910-CCTT-C. GRCh37 (hg19) VCF-style: chr8-24810423-CCTT-C.
Other names: short protein forms E510del.
Identifiers: ClinVar variation 947307 (VCV000947307.7), dbSNP rs570816238, ClinGen allele CA4681240.